The following is an entry in ClinVar:

ClinVar aggregate classification (germline): Pathogenic (1 of 4 stars; one submission).

Conditions:
Hereditary cancer-predisposing syndrome. Also called: Hereditary Cancer Syndrome; Neoplastic Syndromes, Hereditary; Tumor predisposition; Hereditary neoplastic syndrome. Identifiers: Orphanet 140162, MedGen C0027672, MeSH D009386, MONDO:0015356.

Submission:

Ambry Genetics
Classification: Pathogenic for Hereditary cancer-predisposing syndrome. Last evaluated: 2017-09-12. Review status: criteria provided, single submitter. Criteria: Ambry Variant Classification Scheme 2023. Collection method: clinical testing. Allele origin: germline.
Comment: The c.5185delG pathogenic mutation, located in coding exon 34 of the ATM gene, results from a deletion of one nucleotide at nucleotide position 5185, causing a translational frameshift with a predicted alternate stop codon (p.V1729Ffs*9). This alteration is expected to result in loss of function by premature protein truncation or nonsense-mediated mRNA decay. As such, this alteration is interpreted as a disease-causing mutation.

NM_000051.4(ATM):c.5185del (p.Val1729fs)

Gene: ATM (ATM serine/threonine kinase; plus strand). Cytogenetic location: 11q22.3.
Variant type: Deletion.
Coding change: c.5185del on transcript NM_000051.4 (MANE Select); coding-DNA position 5185, one base deleted (G; older notation c.5185delG).
Protein change: p.Val1729fs; shifts the reading frame from valine 1729.
Molecular consequence: frameshift variant.
Genome position (GRCh38, 1-based): chr11:108,301,655, G deleted. VCF-style (leftmost placement, unchanged base first): chr11-108301654-AG-A. GRCh37 (hg19) VCF-style: chr11-108172381-AG-A.
Other names: c.5185del, p.Val1729fs (NM_001351834.2); c.5185delG (NM_000051.3); short protein forms V1729fs.
Identifiers: ClinVar variation 481359 (VCV000481359.5), dbSNP rs1555105610, ClinGen allele CA658656241.
Genomic context (GRCh38, chr11:108,301,654, plus strand): 5'-TCATCAAGATTAATAACTGGTGTACTTGATAGGCATTTGAATTGTTTTTTTCAGTGTCAA[AG>A]TTCGATCAGCAGCTGTTACCTGTTTGAAAAACATTTTAGCCACAAAGACTGGACATAGTT-3'